The following is an entry in ClinVar:

NM_147127.5(EVC2):c.1825G>A (p.Val609Met)

Gene: EVC2 (EvC ciliary complex subunit 2; minus strand). Cytogenetic location: 4p16.2.
Variant type: single nucleotide variant.
Coding change: c.1825G>A on transcript NM_147127.5 (MANE Select); coding-DNA position 1825, G replaced by A.
Protein change: p.Val609Met; replaces valine 609 with methionine.
Molecular consequence: missense variant.
Genome position (GRCh38, 1-based): chr4:5,628,620, C>T on the plus strand (G>A on the coding strand, the complement: EVC2 is on the minus strand). VCF-style: chr4-5628620-C-T. GRCh37 (hg19) VCF-style: chr4-5630347-C-T.
Other names: c.1585G>A, p.Val529Met (NM_001166136.2); short protein forms V529M, V609M.
Identifiers: ClinVar variation 2202160 (VCV002202160.1), dbSNP rs374725146, ClinGen allele CA91712362.

ClinVar aggregate classification (germline): Uncertain significance (1 of 4 stars; one submission).

Conditions:
Curry-Hall syndrome (WAD). Also called: WEYERS ACRODENTAL DYSOSTOSIS. Identifiers: Orphanet 952, MedGen C0457013, MONDO:0008673, OMIM 193530.
Ellis-van Creveld syndrome (EVC). Also called: MESOECTODERMAL DYSPLASIA; EVC-Related Ellis-van Creveld Syndrome; EVC2-Related Ellis-van Creveld Syndrome; Chondroectodermal dysplasia. Identifiers: Orphanet 289, MedGen C0013903, MONDO:0009162, OMIM 225500.

Allele frequency attached by ClinVar (database versions not stated): gnomAD 0.00001; TOPMed 0.00001; gnomAD exomes 0.00003; ESP Exome Variant Server 0.00008.
gnomAD v4.1: 42 of 1,613,904 alleles (0.0026%); highest among the groups gnomAD compares: Non-Finnish European, 0.0033%; no homozygotes.

Submission:

Labcorp Genetics (formerly Invitae), Labcorp
Classification: Uncertain significance for Curry-Hall syndrome; Ellis-van Creveld syndrome. Last evaluated: 2022-07-28. Review status: criteria provided, single submitter. Criteria: Invitae Variant Classification Sherloc (09022015). Collection method: clinical testing. Allele origin: germline.
Comment: This sequence change replaces valine, which is neutral and non-polar, with methionine, which is neutral and non-polar, at codon 609 of the EVC2 protein (p.Val609Met). This variant is present in population databases (rs374725146, gnomAD 0.002%). This variant has not been reported in the literature in individuals affected with EVC2-related conditions. Algorithms developed to predict the effect of missense changes on protein structure and function (SIFT, PolyPhen-2, Align-GVGD) all suggest that this variant is likely to be tolerated. In summary, the available evidence is currently insufficient to determine the role of this variant in disease. Therefore, it has been classified as a Variant of Uncertain Significance.